The following is an entry in ClinVar:

NM_001242957.3(MAK):c.1295G>A (p.Arg432Lys)

Gene: MAK (male germ cell associated kinase; minus strand). Cytogenetic location: 6p24.2.
Variant type: single nucleotide variant.
Coding change: c.1295G>A on transcript NM_001242957.3 (MANE Select); coding-DNA position 1295, G replaced by A.
Protein change: p.Arg432Lys; replaces arginine 432 with lysine.
Molecular consequence: missense variant. On other transcripts: non-coding transcript variant (2).
Genome position (GRCh38, 1-based): chr6:10,791,696, C>T on the plus strand (G>A on the coding strand, the complement: MAK is on the minus strand). VCF-style: chr6-10791696-C-T. GRCh37 (hg19) VCF-style: chr6-10791929-C-T.
Other names: c.1295G>A, p.Arg432Lys (NM_001242385.2, NM_005906.6); c.1193G>A, p.Arg398Lys (NM_001377262.1); short protein forms R432K, R398K.
Identifiers: ClinVar variation 1046009 (VCV001046009.8), dbSNP rs1434802649, ClinGen allele CA362718288.

ClinVar aggregate classification (germline): Uncertain significance (1 of 4 stars; one submission).

Submission:

Labcorp Genetics (formerly Invitae), Labcorp
Classification: Uncertain significance. Last evaluated: 2022-02-09. Review status: criteria provided, single submitter. Criteria: Invitae Variant Classification Sherloc (09022015). Collection method: clinical testing. Allele origin: germline.
Comment: ClinVar contains an entry for this variant (Variation ID: 1046009). This variant has not been reported in the literature in individuals affected with MAK-related conditions. The frequency data for this variant in the population databases is considered unreliable, as metrics indicate poor data quality at this position in the gnomAD database. This sequence change replaces arginine, which is basic and polar, with lysine, which is basic and polar, at codon 432 of the MAK protein (p.Arg432Lys). Experimental studies and prediction algorithms are not available or were not evaluated, and the functional significance of this variant is currently unknown. In summary, the available evidence is currently insufficient to determine the role of this variant in disease. Therefore, it has been classified as a Variant of Uncertain Significance.